The following is an entry in ClinVar:

ClinVar aggregate classification (germline): Likely benign. Review status: criteria provided, multiple submitters, no conflicts (2 of 4 stars). 2 submissions from 2 submitters: Likely benign (2). Last evaluated 2024-05-04.

Conditions:
Ehlers-Danlos syndrome, classic type, 1 (EDSCL1). Also called: EHLERS-DANLOS SYNDROME, GRAVIS TYPE; EHLERS-DANLOS SYNDROME, SEVERE CLASSIC TYPE; Ehlers-Danlos Syndrome, Classic Type, COL5A1-Related; EDS I; Ehlers-Danlos syndrome, type 1. Identifiers: MedGen C0268335, MONDO:0019567, OMIM 130000.

Allele frequency attached by ClinVar (database versions not stated): TOPMed 0.00002; ExAC 0.00001; ESP Exome Variant Server 0.00008.
gnomAD v4.1: 7 of 1,614,018 alleles (0.00043%); highest among the groups gnomAD compares: South Asian, 0.0022%; no homozygotes.

Submissions (2):

Labcorp Genetics (formerly Invitae), Labcorp
Classification: Likely benign for Ehlers-Danlos syndrome, classic type, 1. Last evaluated: 2024-05-04. Review status: criteria provided, single submitter. Criteria: Invitae Variant Classification Sherloc (09022015). Collection method: clinical testing. Allele origin: germline.

GeneDx
Classification: Likely benign. Last evaluated: 2016-02-29. Review status: criteria provided, single submitter. Criteria: GeneDx Variant Classification (06012015). Collection method: clinical testing. Allele origin: germline. Affected: yes.
Comment: This variant is considered likely benign or benign based on one or more of the following criteria: it is a conservative change, it occurs at a poorly conserved position in the protein, it is predicted to be benign by multiple in silico algorithms, and/or has population frequency not consistent with disease.

NM_000093.5(COL5A1):c.1794C>G (p.Gly598=)

Gene: COL5A1 (collagen type V alpha 1 chain; plus strand). Cytogenetic location: 9q34.3.
Variant type: single nucleotide variant.
Coding change: c.1794C>G on transcript NM_000093.5 (MANE Select); coding-DNA position 1794, C replaced by G.
Protein change: p.Gly598=; no amino-acid change (glycine 598 retained).
Molecular consequence: synonymous variant.
Genome position (GRCh38, 1-based): chr9:134,754,293, C>G. VCF-style: chr9-134754293-C-G. GRCh37 (hg19) VCF-style: chr9-137646139-C-G.
Other names: c.1794C>G, p.Gly598= (NM_001278074.1).
Identifiers: ClinVar variation 384421 (VCV000384421.4), dbSNP rs370565229, ClinGen allele CA5318975.